The following is an entry in ClinVar:

ClinVar aggregate classification (germline): Likely benign. Review status: criteria provided, single submitter (1 of 4 stars). 2 submissions from 2 submitters: Likely benign (1). 1 of the submissions does not count toward it. Last evaluated 2024-07-12.

Conditions:
PNKD-related disorder. Also called: PNKD-related condition.

Allele frequency attached by ClinVar (database versions not stated): gnomAD exomes 0.00005; gnomAD 0.00013; TOPMed 0.00015; ExAC 0.00060; 1000 Genomes Project 30x 0.00078; 1000 Genomes Project 0.00100.
gnomAD v4.1: 102 of 1,573,270 alleles (0.0065%); highest among the groups gnomAD compares: East Asian, 0.22%; 1 homozygote.

Submissions (2):

Blueprint Genetics
Classification: Likely benign. Last evaluated: 2024-07-12. Review status: criteria provided, single submitter. Criteria: ACMG Guidelines, 2015. Collection method: clinical testing. Allele origin: germline.

PreventionGenetics, part of Exact Sciences
Classification: Benign for PNKD-related condition. Last evaluated: 2019-10-07. Review status: no assertion criteria provided. Collection method: clinical testing. Allele origin: germline. Not counted in ClinVar's aggregate classification.
Comment: This variant is classified as benign based on ACMG/AMP sequence variant interpretation guidelines (Richards et al. 2015 PMID: 25741868, with internal and published modifications).

NM_015488.5(PNKD):c.237-16375C>A

Gene: PNKD (PNKD metallo-beta-lactamase domain containing; plus strand). Cytogenetic location: 2q35.
Variant type: single nucleotide variant.
Coding change: c.237-16375C>A on transcript NM_015488.5 (MANE Select); 16375 bases into the intron before coding-DNA position 237, C replaced by A.
Molecular consequence: intron variant. On other transcripts: missense variant (1).
Genome position (GRCh38, 1-based): chr2:218,323,408, C>A. VCF-style: chr2-218323408-C-A. GRCh37 (hg19) VCF-style: chr2-219188131-C-A.
Other names: c.141C>A, p.Ser47Arg (NM_022572.5); short protein forms S47R.
Identifiers: ClinVar variation 3046050 (VCV003046050.3), dbSNP rs547552039, ClinGen allele CA2103836.